The following is an entry in ClinVar:

NM_015981.4(CAMK2A):c.635C>A (p.Pro212Gln)

Gene: CAMK2A (calcium/calmodulin dependent protein kinase II alpha; minus strand). Cytogenetic location: 5q32.
Variant type: single nucleotide variant.
Coding change: c.635C>A on transcript NM_015981.4 (MANE Select); coding-DNA position 635, C replaced by A.
Protein change: p.Pro212Gln; replaces proline 212 with glutamine.
Molecular consequence: missense variant.
Genome position (GRCh38, 1-based): chr5:150,251,808, G>T on the plus strand (C>A on the coding strand, the complement: CAMK2A is on the minus strand). VCF-style: chr5-150251808-G-T. GRCh37 (hg19) VCF-style: chr5-149631371-G-T.
Other names: c.635C>A, p.Pro212Gln (NM_001363989.1, NM_001363990.1, NM_001369025.2 and 1 more transcripts); short protein forms P212Q.
Identifiers: ClinVar variation 560171 (VCV000560171.4), dbSNP rs926027867, ClinGen allele CA361750093.
Genomic context (GRCh38, chr5:150,251,808, plus strand): 5'-ACATCATAGGCGCCGGCTTTGATCTGCTGGTACAGGCGGTGCTGGTCCTCATCCCAGAAC[G>T]GGGGGTACCCAACCAGCAGGATGTACAGGATGACCCCTGGAAAGAGGACCAGAGAACCTT-3'
Protein context (NP_057065.2, residues 202-222): ILYILLVGYP[Pro212Gln]FWDEDQHRLY

ClinVar aggregate classification (germline): Pathogenic/Likely pathogenic. Review status: criteria provided, multiple submitters, no conflicts (2 of 4 stars). 3 submissions from 3 submitters: Pathogenic (1); Likely pathogenic (1). 1 of the submissions does not count toward it. Last evaluated 2025-06-09.

Conditions:
Intellectual developmental disorder, autosomal dominant 53. Also called: MENTAL RETARDATION, AUTOSOMAL DOMINANT 53; Intellectual disability, autosomal dominant 53. Identifiers: MedGen C4540481, MONDO:0030919, OMIM 617798.
CAMK2A-related disorder. Also called: CAMK2A-related condition.

Submissions (3):

3billion
Classification: Pathogenic for Intellectual developmental disorder, autosomal dominant 53. Last evaluated: 2025-06-09. Review status: criteria provided, single submitter. Criteria: ACMG Guidelines, 2015. Collection method: clinical testing. Allele origin: germline. Affected: yes.
Comment: The variant is not observed in the gnomAD v4.1.0 dataset. Predicted Consequence/Location: Missense variant Functional studies provide moderate evidence of the variant having a damaging effect on the gene or gene product (PMID: 29560374). In silico tool predictions suggest damaging effect of the variant on gene or gene product [REVEL: 0.68 (>=0.6, sensitivity 0.68 and specificity 0.92); 3Cnet: 0.99 (> 0.75, sensitivity 0.96 and precision 0.92)]. The same nucleotide change resulting in the same amino acid change has been previously reported to be associated with CAMK2A-related disorder (ClinVar ID: VCV000560171 /PMID: 29560374).The variant has been previously reported as de novo in a similarly affected individual (PMID: 29560374). A different missense change at the same codon (p.Pro212Leu) has been reported as pathogenic/likely pathogenic with strong evidence (ClinVar ID: VCV000430916 /PMID: 29100089). Therefore, this variant is classified as Pathogenic according to the recommendation of ACMG/AMP guideline.

Blueprint Genetics
Classification: Likely pathogenic for CAMK2A-related disorders. Last evaluated: 2023-05-12. Review status: criteria provided, single submitter. Criteria: ACMG Guidelines, 2015. Collection method: clinical testing. Allele origin: de novo. Affected: yes. Observed: 1 variant allele.

OMIM
Classification: Pathogenic for INTELLECTUAL DEVELOPMENTAL DISORDER, AUTOSOMAL DOMINANT 53. Last evaluated: 2022-04-07. Review status: no assertion criteria provided. Collection method: literature only. Allele origin: germline. Not counted in ClinVar's aggregate classification.

Literature cited by the submitters: PubMed 29100089 (cited by 3billion); PubMed 29560374 (cited by 3billion and OMIM).